The following is an entry in ClinVar:

NM_002979.5(SCP2):c.974-1G>C

Gene: SCP2 (sterol carrier protein 2; plus strand). Cytogenetic location: 1p32.3.
Variant type: single nucleotide variant.
Coding change: c.974-1G>C on transcript NM_002979.5 (MANE Select); the canonical splice acceptor site of the intron before coding-DNA position 974, G replaced by C.
Molecular consequence: splice acceptor variant.
Genome position (GRCh38, 1-based): chr1:52,988,028, G>C. VCF-style: chr1-52988028-G-C. GRCh37 (hg19) VCF-style: chr1-53453700-G-C.
Other names: c.842-1G>C (NM_001193600.2, NM_001007098.3); c.902-1G>C (NM_001193599.2); c.731-1G>C (NM_001193617.2); c.974-1G>C (NM_001330587.2).
Identifiers: ClinVar variation 2836448 (VCV002836448.3), dbSNP rs2524733814, ClinGen allele CA340383270.
Genomic context (GRCh38, chr1:52,988,028, plus strand): 5'-AGCATATCATTTGTTCTATTGTTACTATTAATATTTGTGAATACTATTTTTTCTTCTATA[G>C]GACAAGGTGCAACGCTGGTTGATAGAGGAGATAATACATATGGAGGAAAGTGGGTCATAA-3'

ClinVar aggregate classification (germline): Likely pathogenic (1 of 4 stars; one submission).

Submission:

Labcorp Genetics (formerly Invitae), Labcorp
Classification: Likely pathogenic. Last evaluated: 2025-09-02. Review status: criteria provided, single submitter. Criteria: Invitae Variant Classification Sherloc (09022015). Collection method: clinical testing. Allele origin: germline.
Comment: This sequence change affects an acceptor splice site in intron 10 of the SCP2 gene. It is expected to disrupt RNA splicing. Variants that disrupt the donor or acceptor splice site typically lead to a loss of protein function (PMID: 16199547), and loss-of-function variants in SCP2 are known to be pathogenic (PMID: 16685654, 26497993). This variant is not present in population databases (gnomAD no frequency). This variant has not been reported in the literature in individuals affected with SCP2-related conditions. ClinVar contains an entry for this variant (Variation ID: 2836448). Algorithms developed to predict the effect of sequence changes on RNA splicing suggest that this variant may disrupt the consensus splice site. In summary, the currently available evidence indicates that the variant is pathogenic, but additional data are needed to prove that conclusively. Therefore, this variant has been classified as Likely Pathogenic.

Literature cited by the submitters: PubMed 16199547; PubMed 16685654; PubMed 26497993.